The following is an entry in ClinVar:

NM_000051.4(ATM):c.7308A>C (p.Arg2436Ser)

Genes: ATM (ATM serine/threonine kinase; plus strand), C11orf65 (chromosome 11 open reading frame 65; minus strand). Cytogenetic location: 11q22.3.
Variant type: single nucleotide variant.
Coding change: c.7308A>C on transcript NM_000051.4 (MANE Select); coding-DNA position 7308, A replaced by C.
Protein change: p.Arg2436Ser; replaces arginine 2436 with serine.
Molecular consequence: missense variant. On other transcripts: intron variant (2).
Genome position (GRCh38, 1-based): chr11:108,330,214, A>C. VCF-style: chr11-108330214-A-C. GRCh37 (hg19) VCF-style: chr11-108200941-A-C.
Other names: p.R2436S:AGA>AGC; c.7308A>C, p.Arg2436Ser (NM_001351834.2); c.641-21143T>G (NM_001330368.2); c.*38+5006T>G (NM_001351110.2); short protein forms R2436S.
Identifiers: ClinVar variation 181890 (VCV000181890.22), dbSNP rs730881317, ClinGen allele CA298053.

ClinVar aggregate classification (germline): Uncertain significance. Review status: criteria provided, multiple submitters, no conflicts (2 of 4 stars). 6 submissions from 6 submitters: Uncertain significance (5). 1 of the submissions does not count toward it. Last evaluated 2025-12-01.

Conditions:
Hereditary cancer-predisposing syndrome. Also called: Hereditary Cancer Syndrome; Tumor predisposition; Neoplastic Syndromes, Hereditary; Hereditary neoplastic syndrome. Identifiers: Orphanet 140162, MedGen C0027672, MeSH D009386, MONDO:0015356.
Ataxia-telangiectasia syndrome (AT). Also called: ATAXIA-TELANGIECTASIA, COMPLEMENTATION GROUP A; ATAXIA-TELANGIECTASIA, FRESNO VARIANT; Ataxia-telangiectasia; Ataxia-telangiectasia, complementation group E; Cerebello-oculocutaneous telangiectasia; Immunodeficiency with ataxia telangiectasia. Identifiers: Orphanet 100, MedGen C0004135, MONDO:0008840, OMIM 208900.

Allele frequency attached by ClinVar (database versions not stated): gnomAD exomes 0.00001.
gnomAD v4.1: 7 of 1,613,718 alleles (0.00043%); highest among the groups gnomAD compares: Non-Finnish European, 0.00059%; no homozygotes.

Submissions (6):

Labcorp Genetics (formerly Invitae), Labcorp
Classification: Uncertain significance for Ataxia-telangiectasia syndrome. Last evaluated: 2025-12-01. Review status: criteria provided, single submitter. Criteria: Invitae Variant Classification Sherloc (09022015). Collection method: clinical testing. Allele origin: germline.
Comment: This sequence change replaces arginine, which is basic and polar, with serine, which is neutral and polar, at codon 2436 of the ATM protein (p.Arg2436Ser). This variant is not present in population databases (gnomAD no frequency). This missense change has been observed in individual(s) with ovarian cancer (PMID: 26845104). ClinVar contains an entry for this variant (Variation ID: 181890). An algorithm developed to predict the effect of missense changes on protein structure and function (PolyPhen-2) suggests that this variant is likely to be disruptive. RNA analysis performed to evaluate the impact of this missense change on mRNA splicing indicates it does not significantly alter splicing (internal data). In summary, the available evidence is currently insufficient to determine the role of this variant in disease. Therefore, it has been classified as a Variant of Uncertain Significance.

Ambry Genetics
Classification: Uncertain significance for Hereditary cancer-predisposing syndrome. Last evaluated: 2025-01-14. Review status: criteria provided, single submitter. Criteria: Ambry Variant Classification Scheme 2023. Collection method: clinical testing. Allele origin: germline.
Comment: The p.R2436S variant (also known as c.7308A>C) is located in coding exon 49 of the ATM gene. The arginine at codon 2436 is replaced by serine, an amino acid with dissimilar properties. This variant was detected in an individual diagnosed with ovarian cancer (Shirts BH et al, 2016 10;18:974-81). This amino acid position is highly conserved in available vertebrate species. In addition, this alteration is predicted to be deleterious by in silico analysis. Based on the available evidence, the clinical significance of this variant remains unclear.

Color Diagnostics, LLC DBA Color Health
Classification: Uncertain significance for Hereditary cancer-predisposing syndrome. Last evaluated: 2022-05-05. Review status: criteria provided, single submitter. Criteria: ACMG Guidelines, 2015. Collection method: clinical testing. Allele origin: germline.
Comment: This missense variant alters the first nucleotide of exon 50 and replaces arginine with serine at codon 2436 of the ATM protein. Computational prediction suggests that this variant may have deleterious impact on protein structure and function (internally defined REVEL score threshold >= 0.7, PMID: 27666373). To our knowledge, functional studies have not been reported for this variant. This variant has been reported in an individual affected with ovarian cancer (PMID: 26845104). This variant has not been identified in the general population by the Genome Aggregation Database (gnomAD). The available evidence is insufficient to determine the role of this variant in disease conclusively. Therefore, this variant is classified as a Variant of Uncertain Significance.

GeneDx
Classification: Uncertain significance. Last evaluated: 2018-07-23. Review status: criteria provided, single submitter. Criteria: GeneDx Variant Classification (06012015). Collection method: clinical testing. Allele origin: germline. Affected: yes.
Comment: This variant is denoted ATM c.7308A>C at the cDNA level, p.Arg2436Ser (R2436S) at the protein level, and results in the change of an Arginine to a Serine (AGA>AGC). This variant was observed in an individual with ovarian cancer (Shirts 2016). ATM Arg2436Ser was not observed in large population cohorts (Lek 2016). This variant is located in the FAT domain (Stracker 2013). In silico analysis, which includes protein predictors and evolutionary conservation, supports a deleterious effect. Based on currently available evidence, it is unclear whether ATM Arg2436Ser is a pathogenic or benign variant. We consider it to be a variant of uncertain significance.

University of Washington Department of Laboratory Medicine, University of Washington
Classification: Uncertain significance for Hereditary cancer-predisposing syndrome. Last evaluated: 2015-11-20. Review status: criteria provided, single submitter. Criteria: Shirts et al. (Genet Med 2016). Collection method: clinical testing. Allele origin: germline. Affected: yes. Observed: 1 variant allele.

Natera, Inc.
Classification: Uncertain significance for Ataxia-telangiectasia. Last evaluated: 2025-04-18. Review status: no assertion criteria provided. Collection method: clinical testing. Allele origin: germline. Not counted in ClinVar's aggregate classification.

Literature cited by the submitters: PubMed 26845104 (cited by 3 submitters).